The following is an entry in ClinVar:

ClinVar aggregate classification (germline): Uncertain significance (1 of 4 stars; one submission).

Conditions:
EGFR-related lung cancer (EGFR). Identifiers: MedGen CN130014.

Submission:

Labcorp Genetics (formerly Invitae), Labcorp
Classification: Uncertain significance for EGFR-related lung cancer. Last evaluated: 2023-06-27. Review status: criteria provided, single submitter. Criteria: Invitae Variant Classification Sherloc (09022015). Collection method: clinical testing. Allele origin: germline.
Comment: In summary, the available evidence is currently insufficient to determine the role of this variant in disease. Therefore, it has been classified as a Variant of Uncertain Significance. Advanced modeling of protein sequence and biophysical properties (such as structural, functional, and spatial information, amino acid conservation, physicochemical variation, residue mobility, and thermodynamic stability) has been performed at Invitae for this missense variant, however the output from this modeling did not meet the statistical confidence thresholds required to predict the impact of this variant on EGFR protein function. This variant has not been reported in the literature in individuals affected with EGFR-related conditions. This variant is not present in population databases (gnomAD no frequency). This sequence change replaces valine, which is neutral and non-polar, with methionine, which is neutral and non-polar, at codon 300 of the EGFR protein (p.Val300Met).

NM_005228.5(EGFR):c.898G>A (p.Val300Met)

Gene: EGFR (epidermal growth factor receptor; plus strand). Cytogenetic location: 7p11.2.
Variant type: single nucleotide variant.
Coding change: c.898G>A on transcript NM_005228.5 (MANE Select); coding-DNA position 898, G replaced by A.
Protein change: p.Val300Met; replaces valine 300 with methionine.
Molecular consequence: missense variant.
Genome position (GRCh38, 1-based): chr7:55,155,838, G>A. VCF-style: chr7-55155838-G-A. GRCh37 (hg19) VCF-style: chr7-55223531-G-A.
Other names: c.763G>A, p.Val255Met (NM_001346897.2, NM_001346899.2); c.898G>A, p.Val300Met (NM_001346898.2, NM_201282.2, NM_201283.2 and 1 more transcripts); c.739G>A, p.Val247Met (NM_001346900.2); c.97G>A, p.Val33Met (NM_001346941.2); short protein forms V300M, V247M, V255M, V33M.
Identifiers: ClinVar variation 3013787 (VCV003013787.3), dbSNP rs2128937344, ClinGen allele CA367577932.